The following is an entry in ClinVar:

NM_000179.3(MSH6):c.3088A>G (p.Lys1030Glu)

Gene: MSH6 (mutS homolog 6; plus strand). Cytogenetic location: 2p16.3.
Variant type: single nucleotide variant.
Coding change: c.3088A>G on transcript NM_000179.3 (MANE Select); coding-DNA position 3088, A replaced by G.
Protein change: p.Lys1030Glu; replaces lysine 1030 with glutamic acid.
Molecular consequence: missense variant.
Genome position (GRCh38, 1-based): chr2:47,801,071, A>G. VCF-style: chr2-47801071-A-G. GRCh37 (hg19) VCF-style: chr2-48028210-A-G.
Other names: c.2698A>G, p.Lys900Glu (NM_001281492.2); c.2182A>G, p.Lys728Glu (NM_001281493.2, NM_001281494.2, NM_001406811.1 and 6 more transcripts); c.3184A>G, p.Lys1062Glu (NM_001406795.1, NM_001406802.1); c.3088A>G, p.Lys1030Glu (NM_001406796.1, NM_001406798.1, NM_001406800.1 and 2 more transcripts); c.2791A>G, p.Lys931Glu (NM_001406797.1, NM_001406801.1, NM_001406805.1 and 10 more transcripts); c.2563A>G, p.Lys855Glu (NM_001406799.1, NM_001406806.1, NM_001406807.1); c.3010A>G, p.Lys1004Glu (NM_001406804.1); c.3094A>G, p.Lys1032Glu (NM_001406813.1); and 2 more; short protein forms K1030E, K345E, K855E, K1062E, K974E, K1004E, K1032E, K728E.
Identifiers: ClinVar variation 1727413 (VCV001727413.2), dbSNP rs1114167707, ClinGen allele CA346756574.

ClinVar aggregate classification (germline): Uncertain significance (1 of 4 stars; one submission).

Conditions:
Hereditary cancer-predisposing syndrome. Also called: Tumor predisposition; Neoplastic Syndromes, Hereditary; Hereditary Cancer Syndrome; Hereditary neoplastic syndrome. Identifiers: Orphanet 140162, MedGen C0027672, MeSH D009386, MONDO:0015356.

Submission:

Ambry Genetics
Classification: Uncertain significance for Hereditary cancer-predisposing syndrome. Last evaluated: 2022-08-12. Review status: criteria provided, single submitter. Criteria: Ambry Variant Classification Scheme 2023. Collection method: clinical testing. Allele origin: germline.
Comment: The p.K1030E variant (also known as c.3088A>G), located in coding exon 4 of the MSH6 gene, results from an A to G substitution at nucleotide position 3088. The lysine at codon 1030 is replaced by glutamic acid, an amino acid with similar properties. This amino acid position is well conserved in available vertebrate species. In addition, this alteration is predicted to be deleterious by in silico analysis. Since supporting evidence is limited at this time, the clinical significance of this alteration remains unclear.